The following is an entry in ClinVar:

NM_000051.4(ATM):c.6305C>G (p.Ala2102Gly)

Genes: ATM (ATM serine/threonine kinase; plus strand), C11orf65 (chromosome 11 open reading frame 65; minus strand). Cytogenetic location: 11q22.3.
Variant type: single nucleotide variant.
Coding change: c.6305C>G on transcript NM_000051.4 (MANE Select); coding-DNA position 6305, C replaced by G.
Protein change: p.Ala2102Gly; replaces alanine 2102 with glycine.
Molecular consequence: missense variant. On other transcripts: intron variant (2).
Genome position (GRCh38, 1-based): chr11:108,317,479, C>G. VCF-style: chr11-108317479-C-G. GRCh37 (hg19) VCF-style: chr11-108188206-C-G.
Other names: c.6305C>G, p.Ala2102Gly (NM_001351834.2); c.641-8408G>C (NM_001330368.2); c.*39-8408G>C (NM_001351110.2); short protein forms A2102G.
Identifiers: ClinVar variation 3452722 (VCV003452722.1).

ClinVar aggregate classification (germline): Uncertain significance (1 of 4 stars; one submission).

Conditions:
Hereditary cancer-predisposing syndrome. Also called: Tumor predisposition; Hereditary Cancer Syndrome; Neoplastic Syndromes, Hereditary; Hereditary neoplastic syndrome. Identifiers: Orphanet 140162, MedGen C0027672, MeSH D009386, MONDO:0015356.

Submission:

Ambry Genetics
Classification: Uncertain significance for Hereditary cancer-predisposing syndrome. Last evaluated: 2024-11-16. Review status: criteria provided, single submitter. Criteria: Ambry Variant Classification Scheme 2023. Collection method: clinical testing. Allele origin: germline.
Comment: The p.A2102G variant (also known as c.6305C>G), located in coding exon 42 of the ATM gene, results from a C to G substitution at nucleotide position 6305. The alanine at codon 2102 is replaced by glycine, an amino acid with similar properties. This amino acid position is conserved. In addition, the in silico prediction for this alteration is inconclusive. Based on the available evidence, the clinical significance of this variant remains unclear.